The following is an entry in ClinVar:

NM_000489.6(ATRX):c.1478A>G (p.His493Arg)

Gene: ATRX (ATRX chromatin remodeler; minus strand). Cytogenetic location: Xq21.1.
Variant type: single nucleotide variant.
Coding change: c.1478A>G on transcript NM_000489.6 (MANE Select); coding-DNA position 1478, A replaced by G.
Protein change: p.His493Arg; replaces histidine 493 with arginine.
Molecular consequence: missense variant.
Genome position (GRCh38, 1-based): chrX:77,683,778, T>C on the plus strand (A>G on the coding strand, the complement: ATRX is on the minus strand). VCF-style: chrX-77683778-T-C. GRCh37 (hg19) VCF-style: chrX-76939270-T-C.
Other names: c.1364A>G, p.His455Arg (NM_138270.5); short protein forms H493R, H455R.
Identifiers: ClinVar variation 390054 (VCV000390054.13), dbSNP rs947189709, ClinGen allele CA16608595.

ClinVar aggregate classification (germline): Conflicting classifications of pathogenicity. Review status: criteria provided, conflicting classifications (1 of 4 stars). 4 submissions from 4 submitters: Uncertain significance (3); Likely benign (1). Last evaluated 2025-08-21.

Conditions:
Inborn genetic diseases. Identifiers: MedGen C0950123, MeSH D030342.
Alpha thalassemia-X-linked intellectual disability syndrome (ATRX). Also called: ALPHA-THALASSEMIA/MENTAL RETARDATION SYNDROME, X-LINKED; X-linked alpha-thalassemia-mental retardation syndrome; ATR-X syndrome; Alpha thalassemia mental retardation syndrome, nondeletion type, X-linked; XLMR hypotonic face syndrome; ATR, NONDELETION TYPE. Identifiers: Orphanet 847, MedGen C1845055, MONDO:0010519, OMIM 301040.

Allele frequency attached by ClinVar (database versions not stated): gnomAD exomes below 0.00001 and 0.00001; gnomAD 0.00005; TOPMed 0.00003.
gnomAD v4.1: 10 of 1,208,730 alleles (0.00083%); highest among the groups gnomAD compares: African/African-American, 0.0052%; no homozygotes.

Submissions (4):

Labcorp Genetics (formerly Invitae), Labcorp
Classification: Likely benign for Alpha thalassemia-X-linked intellectual disability syndrome. Last evaluated: 2025-08-21. Review status: criteria provided, single submitter. Criteria: Invitae Variant Classification Sherloc (09022015). Collection method: clinical testing. Allele origin: germline.

Ambry Genetics
Classification: Uncertain significance for Inborn genetic diseases. Last evaluated: 2025-03-08. Review status: criteria provided, single submitter. Criteria: Ambry Variant Classification Scheme 2023. Collection method: clinical testing. Allele origin: germline.

Clinical Genomics Laboratory, Washington University in St. Louis
Classification: Uncertain significance for Alpha thalassemia-X-linked intellectual disability syndrome. Last evaluated: 2023-10-20. Review status: criteria provided, single submitter. Criteria: ACMG Guidelines, 2015. Collection method: clinical testing. Allele origin: germline.
Comment: The ATRX c.1478A>G (p.His493Arg) variant has not been reported in the medical literature to our knowledge. This variant is only observed on 1/183,019 total alleles in the general population (gnomAD v.2.1.1), indicating it is not a common variant. Computational predictors are uncertain/conflicting as to the impact of this variant on ATRX protein function. This variant has been submitted to ClinVar as both a variant of uncertain significance and likely benign; one submitter each (variation ID: 390054). Due to limited information, and based on ACMG/AMP guidelines for variant interpretation (Richards S et al., PMID: 25741868), the clinical significance of this variant is uncertain at this time.

GeneDx
Classification: Uncertain significance. Last evaluated: 2020-05-18. Review status: criteria provided, single submitter. Criteria: GeneDx Variant Classification Process June 2021. Collection method: clinical testing. Allele origin: germline. Affected: yes.
Comment: Not observed at a significant frequency in large population cohorts (Lek et al., 2016); In silico analysis suggests this variant may impact gene splicing. In the absence of RNA/functional studies, the actual effect of this sequence change is unknown.; Has not been previously published as pathogenic or benign to our knowledge